The following is an entry in ClinVar:

NM_001077653.2(TBX20):c.228CTC[4] (p.Ser79_Leu80insSer)

Gene: TBX20 (T-box transcription factor 20; minus strand). Cytogenetic location: 7p14.2.
Variant type: Microsatellite.
Coding change: c.228CTC[4] on transcript NM_001077653.2 (MANE Select); four copies in a row of the 3-base unit CTC starting at c.228; the reference has three copies in a row; one copy, 3 bases duplicated.
Protein change: p.Ser79_Leu80insSer.
Molecular consequence: inframe insertion.
Genome position (GRCh38, 1-based): chr7:35,250,095-35,250,097, GAG duplicated on the plus strand (CTC on the coding strand, the reverse complement: TBX20 is on the minus strand); duplicating any 3 consecutive bases within chr7:35,250,095-35,250,105 gives the same sequence; the position shown is the placement nearest the transcript's 3' end. VCF-style (leftmost placement, unchanged base first): chr7-35250094-A-AGAG. GRCh37 (hg19) VCF-style: chr7-35289706-A-AGAG.
Other names: c.228CTC[4], p.Ser79_Leu80insSer (NM_001166220.1).
Identifiers: ClinVar variation 1968275 (VCV001968275.5), dbSNP rs1384836061, ClinGen allele CA574230056.

ClinVar aggregate classification (germline): Uncertain significance (1 of 4 stars; one submission).

Submission:

Labcorp Genetics (formerly Invitae), Labcorp
Classification: Uncertain significance. Last evaluated: 2022-06-25. Review status: criteria provided, single submitter. Criteria: Invitae Variant Classification Sherloc (09022015). Collection method: clinical testing. Allele origin: germline.
Comment: This variant, c.234_236dup, results in the insertion of 1 amino acid(s) of the TBX20 protein (p.Ser79dup), but otherwise preserves the integrity of the reading frame. This variant is present in population databases (no rsID available, gnomAD 0.003%). This variant has not been reported in the literature in individuals affected with TBX20-related conditions. In summary, the available evidence is currently insufficient to determine the role of this variant in disease. Therefore, it has been classified as a Variant of Uncertain Significance.